The following is an entry in ClinVar:

NM_004304.5(ALK):c.454G>C (p.Glu152Gln)

Gene: ALK (ALK receptor tyrosine kinase; minus strand). Cytogenetic location: 2p23.1.
Variant type: single nucleotide variant.
Coding change: c.454G>C on transcript NM_004304.5 (MANE Select); coding-DNA position 454, G replaced by C.
Protein change: p.Glu152Gln; replaces glutamic acid 152 with glutamine.
Molecular consequence: missense variant.
Genome position (GRCh38, 1-based): chr2:29,920,206, C>G on the plus strand (G>C on the coding strand, the complement: ALK is on the minus strand). VCF-style: chr2-29920206-C-G. GRCh37 (hg19) VCF-style: chr2-30143072-C-G.
Other names: short protein forms E152Q.
Identifiers: ClinVar variation 404388 (VCV000404388.10), dbSNP rs1060500233, ClinGen allele CA16610818.
Genomic context (GRCh38, chr2:29,920,206, plus strand): 5'-CGCTGAGATTGAACTGGAGCAGCCCCACAGCCGCCTCCCCGGGGGGCCCGACGCAACCCT[C>G]CAAGATCGCCTCCTCGCCCAGCTCCAGCACCAACTGCTTGGCACGCCGGAGCTTGCGCAC-3'
Protein context (NP_004295.2, residues 142-162): VLELGEEAIL[Glu152Gln]GCVGPPGEAA

ClinVar aggregate classification (germline): Uncertain significance. Review status: criteria provided, multiple submitters, no conflicts (2 of 4 stars). 2 submissions from 2 submitters: Uncertain significance (2). Last evaluated 2025-02-16.

Conditions:
Hereditary cancer-predisposing syndrome. Also called: Tumor predisposition; Neoplastic Syndromes, Hereditary; Hereditary Cancer Syndrome; Hereditary neoplastic syndrome. Identifiers: Orphanet 140162, MedGen C0027672, MeSH D009386, MONDO:0015356.
Neuroblastoma, susceptibility to, 3. Also called: ALK-Related Neuroblastic Tumor Susceptibility. Identifiers: Orphanet 635, MedGen C2751681, MONDO:0013083, OMIM 613014.

Submissions (2):

Ambry Genetics
Classification: Uncertain significance for Hereditary cancer-predisposing syndrome. Last evaluated: 2025-02-16. Review status: criteria provided, single submitter. Criteria: Ambry Variant Classification Scheme 2023. Collection method: clinical testing. Allele origin: germline.
Comment: The p.E152Q variant (also known as c.454G>C), located in coding exon 1 of the ALK gene, results from a G to C substitution at nucleotide position 454. The glutamic acid at codon 152 is replaced by glutamine, an amino acid with highly similar properties. This amino acid position is conserved. In addition, this alteration is predicted to be tolerated by in silico analysis. Based on the available evidence, the clinical significance of this variant remains unclear.

Labcorp Genetics (formerly Invitae), Labcorp
Classification: Uncertain significance for Neuroblastoma, susceptibility to, 3. Last evaluated: 2023-07-06. Review status: criteria provided, single submitter. Criteria: Invitae Variant Classification Sherloc (09022015). Collection method: clinical testing. Allele origin: germline.
Comment: In summary, the available evidence is currently insufficient to determine the role of this variant in disease. Therefore, it has been classified as a Variant of Uncertain Significance. An algorithm developed to predict the effect of missense changes on protein structure and function (PolyPhen-2) suggests that this variant is likely to be tolerated. ClinVar contains an entry for this variant (Variation ID: 404388). This variant has not been reported in the literature in individuals affected with ALK-related conditions. This variant is not present in population databases (gnomAD no frequency). This sequence change replaces glutamic acid, which is acidic and polar, with glutamine, which is neutral and polar, at codon 152 of the ALK protein (p.Glu152Gln).